The following is an entry in ClinVar:

ClinVar aggregate classification (germline): Uncertain significance (1 of 4 stars; one submission).

Submission:

Labcorp Genetics (formerly Invitae), Labcorp
Classification: Uncertain significance. Last evaluated: 2025-07-27. Review status: criteria provided, single submitter. Criteria: Invitae Variant Classification Sherloc (09022015). Collection method: clinical testing. Allele origin: germline.
Comment: This sequence change replaces lysine, which is basic and polar, with asparagine, which is neutral and polar, at codon 289 of the BRD4 protein (p.Lys289Asn). This variant is not present in population databases (gnomAD no frequency). This variant has not been reported in the literature in individuals affected with BRD4-related conditions. Invitae Evidence Modeling of protein sequence and biophysical properties (such as structural, functional, and spatial information, amino acid conservation, physicochemical variation, residue mobility, and thermodynamic stability) has been performed for this missense variant. However, the output from this modeling did not meet the statistical confidence thresholds required to predict the impact of this variant on BRD4 protein function. In summary, the available evidence is currently insufficient to determine the role of this variant in disease. Therefore, it has been classified as a Variant of Uncertain Significance.

NM_001379291.1(BRD4):c.867G>T (p.Lys289Asn)

Gene: BRD4 (bromodomain containing 4; minus strand). Cytogenetic location: 19p13.12.
Variant type: single nucleotide variant.
Coding change: c.867G>T on transcript NM_001379291.1 (MANE Select); coding-DNA position 867, G replaced by T.
Protein change: p.Lys289Asn; replaces lysine 289 with asparagine.
Molecular consequence: missense variant.
Genome position (GRCh38, 1-based): chr19:15,264,749, C>A on the plus strand (G>T on the coding strand, the complement: BRD4 is on the minus strand). VCF-style: chr19-15264749-C-A. GRCh37 (hg19) VCF-style: chr19-15375560-C-A.
Other names: c.867G>T, p.Lys289Asn (NM_001330384.2, NM_001379292.1, NM_014299.3 and 1 more transcripts); short protein forms K289N.
Identifiers: ClinVar variation 4744708 (VCV004744708.1).
Genomic context (GRCh38, chr19:15,264,749, plus strand): 5'-CAGCGAGGGTGGCTCGTGAATGGGGTCAATGGTGGTGGGGGTGGTGGTGTCTGCTTTCCT[C>A]TTCACTCCCTTCTTTGTCTGCCAAGAACACGGACGCCAACAGGCACAGTCAGAAGTGGCA-3'
Protein context (NP_001366220.1, residues 279-299): PQPVKTKKGV[Lys289Asn]RKADTTTPTT